The following is an entry in ClinVar:

NM_007199.3(IRAK3):c.89_90dup (p.Val31fs)

Gene: IRAK3 (interleukin 1 receptor associated kinase 3; plus strand). Cytogenetic location: 12q14.3.
Variant type: Duplication.
Coding change: c.89_90dup on transcript NM_007199.3 (MANE Select); coding-DNA positions 89 to 90, 2 bases duplicated (CT; older notation c.89_90dupCT).
Protein change: p.Val31fs; shifts the reading frame from valine 31.
Molecular consequence: frameshift variant.
Genome position (GRCh38, 1-based): chr12:66,189,388-66,189,389, CT duplicated. VCF-style (leftmost placement, unchanged base first): chr12-66189387-G-GCT. GRCh37 (hg19) VCF-style: chr12-66583167-G-GCT.
Other names: c.89_90dup, p.Val31fs (NM_001142523.2); short protein forms V31fs.
Identifiers: ClinVar variation 3600522 (VCV003600522.1).

ClinVar aggregate classification (germline): Uncertain significance (1 of 4 stars; one submission).

Submission:

Clinical Genomics Laboratory, Washington University in St. Louis
Classification: Uncertain significance. Last evaluated: 2024-12-11. Review status: criteria provided, single submitter. Criteria: ACMG Guidelines, 2015. Collection method: clinical testing. Allele origin: germline.
Comment: The IRAK3 c.89_90dup (p.Val31Leufs*33) variant, to our knowledge, has not been reported in the medical literature and is only observed on 2/156,020 alleles in the general population (gnomAD v.2.1.1), indicating it is not a common variant. This variant causes a frameshift by duplicating 2 nucleotides, leading to a premature termination codon, which is predicted to lead to nonsense mediated decay. Due to limited information, the clinical significance of this variant is uncertain.